The following is an entry in ClinVar:

NM_005732.4(RAD50):c.2687C>A (p.Thr896Asn)

Gene: RAD50 (RAD50 double strand break repair protein; plus strand). Cytogenetic location: 5q31.1.
Variant type: single nucleotide variant.
Coding change: c.2687C>A on transcript NM_005732.4 (MANE Select); coding-DNA position 2687, C replaced by A.
Protein change: p.Thr896Asn; replaces threonine 896 with asparagine.
Molecular consequence: missense variant.
Genome position (GRCh38, 1-based): chr5:132,604,968, C>A. VCF-style: chr5-132604968-C-A. GRCh37 (hg19) VCF-style: chr5-131940660-C-A.
Other names: short protein forms T896N.
Identifiers: ClinVar variation 2122484 (VCV002122484.4), dbSNP rs2149847852, ClinGen allele CA360956885.

ClinVar aggregate classification (germline): Uncertain significance (1 of 4 stars; one submission).

Conditions:
Hereditary cancer-predisposing syndrome. Also called: Hereditary Cancer Syndrome; Tumor predisposition; Neoplastic Syndromes, Hereditary; Hereditary neoplastic syndrome. Identifiers: Orphanet 140162, MedGen C0027672, MeSH D009386, MONDO:0015356.

Allele frequency attached by ClinVar (database versions not stated): gnomAD exomes below 0.00001.
gnomAD v4.1: 3 of 1,613,696 alleles (0.00019%); highest among the groups gnomAD compares: Non-Finnish European, 0.00025%; no homozygotes.

Submission:

Labcorp Genetics (formerly Invitae), Labcorp
Classification: Uncertain significance for Hereditary cancer-predisposing syndrome. Last evaluated: 2023-06-09. Review status: criteria provided, single submitter. Criteria: Invitae Variant Classification Sherloc (09022015). Collection method: clinical testing. Allele origin: germline.
Comment: This sequence change replaces threonine, which is neutral and polar, with asparagine, which is neutral and polar, at codon 896 of the RAD50 protein (p.Thr896Asn). This variant is not present in population databases (gnomAD no frequency). This variant has not been reported in the literature in individuals affected with RAD50-related conditions. ClinVar contains an entry for this variant (Variation ID: 2122484). Advanced modeling of protein sequence and biophysical properties (such as structural, functional, and spatial information, amino acid conservation, physicochemical variation, residue mobility, and thermodynamic stability) performed at Invitae indicates that this missense variant is not expected to disrupt RAD50 protein function. In summary, the available evidence is currently insufficient to determine the role of this variant in disease. Therefore, it has been classified as a Variant of Uncertain Significance.